The following is an entry in ClinVar:

NM_003850.2(SUCLA2):c.-288C>A

Genes: SUCLA2-AS1 (SUCLA2 antisense RNA 1; plus strand), SUCLA2 (succinate-CoA ligase ADP-forming subunit beta; minus strand). Cytogenetic location: 13q14.2.
Variant type: single nucleotide variant.
Coding change: c.-288C>A on transcript NM_003850.2; 288 bases upstream of the start codon, C replaced by A.
Molecular consequence: non-coding transcript variant (on NR_189308.1).
Genome position (GRCh38, 1-based): chr13:48,001,557, G>T on the plus strand (C>A on the coding strand, the complement: SUCLA2 is on the minus strand). VCF-style: chr13-48001557-G-T. GRCh37 (hg19) VCF-style: chr13-48575693-G-T.
Identifiers: ClinVar variation 684102 (VCV000684102.4), dbSNP rs7335797, ClinGen allele CA13918172.

ClinVar aggregate classification (germline): Benign. Review status: criteria provided, multiple submitters, no conflicts (2 of 4 stars). 2 submissions from 2 submitters: Benign (2). Last evaluated 2018-06-14.

Allele frequency attached by ClinVar (database versions not stated): gnomAD 0.93658; 1000 Genomes Project 0.94209; 1000 Genomes Project 30x 0.94191; TOPMed 0.93934.

Submissions (2):

GeneDx
Classification: Benign. Last evaluated: 2018-06-14. Review status: criteria provided, single submitter. Criteria: GeneDx Variant Classification (06012015). Collection method: clinical testing. Allele origin: germline. Affected: yes.
Comment: This variant is considered likely benign or benign based on one or more of the following criteria: it is a conservative change, it occurs at a poorly conserved position in the protein, it is predicted to be benign by multiple in silico algorithms, and/or has population frequency not consistent with disease.

Breakthrough Genomics
Classification: Benign. Review status: criteria provided, single submitter. Criteria: ACMG Guidelines, 2015. Collection method: not provided. Allele origin: germline. Inheritance: Autosomal recessive inheritance. Affected: yes.